The following is an entry in ClinVar:

ClinVar aggregate classification (germline): Conflicting classifications of pathogenicity. Review status: criteria provided, conflicting classifications (1 of 4 stars). 2 submissions from 2 submitters: Uncertain significance (1); Likely benign (1). Last evaluated 2025-08-28.

Conditions:
Distal hereditary motor neuropathy type 2. Identifiers: Orphanet 139525, MedGen C3711384, MeSH C580044, MONDO:0015352.

Allele frequency attached by ClinVar (database versions not stated): gnomAD exomes 0.00003; TOPMed 0.00011.
gnomAD v4.1: 51 of 1,612,942 alleles (0.0032%); highest among the groups gnomAD compares: Admixed American, 0.027%; no homozygotes.

Submissions (2):

Labcorp Genetics (formerly Invitae), Labcorp
Classification: Uncertain significance for Distal hereditary motor neuropathy type 2. Last evaluated: 2025-08-28. Review status: criteria provided, single submitter. Criteria: Invitae Variant Classification Sherloc (09022015). Collection method: clinical testing. Allele origin: germline.
Comment: This sequence change replaces valine, which is neutral and non-polar, with isoleucine, which is neutral and non-polar, at codon 548 of the FBXO38 protein (p.Val548Ile). This variant is present in population databases (rs751449877, gnomAD 0.07%), and has an allele count higher than expected for a pathogenic variant. This variant has not been reported in the literature in individuals affected with FBXO38-related conditions. ClinVar contains an entry for this variant (Variation ID: 969314). Invitae Evidence Modeling of protein sequence and biophysical properties (such as structural, functional, and spatial information, amino acid conservation, physicochemical variation, residue mobility, and thermodynamic stability) indicates that this missense variant is not expected to disrupt FBXO38 protein function with a negative predictive value of 80%. In summary, the available evidence is currently insufficient to determine the role of this variant in disease. Therefore, it has been classified as a Variant of Uncertain Significance.

Ambry Genetics
Classification: Likely benign. Last evaluated: 2020-02-06. Review status: criteria provided, single submitter. Criteria: Ambry Variant Classification Scheme 2023. Collection method: clinical testing. Allele origin: germline.

NM_205836.3(FBXO38):c.1642G>A (p.Val548Ile)

Gene: FBXO38 (F-box protein 38; plus strand). Cytogenetic location: 5q32.
Variant type: single nucleotide variant.
Coding change: c.1642G>A on transcript NM_205836.3 (MANE Select); coding-DNA position 1642, G replaced by A.
Protein change: p.Val548Ile; replaces valine 548 with isoleucine.
Molecular consequence: missense variant.
Genome position (GRCh38, 1-based): chr5:148,424,021, G>A. VCF-style: chr5-148424021-G-A. GRCh37 (hg19) VCF-style: chr5-147803584-G-A.
Other names: c.1642G>A, p.Val548Ile (NM_001271723.2, NM_030793.5); short protein forms V548I.
Identifiers: ClinVar variation 969314 (VCV000969314.48), dbSNP rs751449877, ClinGen allele CA3497332.